The following is an entry in ClinVar:

ClinVar aggregate classification (germline): Uncertain significance (1 of 4 stars; one submission).

Conditions:
Duchenne muscular dystrophy (DMD). Also called: MUSCULAR DYSTROPHY, PSEUDOHYPERTROPHIC PROGRESSIVE, DUCHENNE TYPE; Duchenne Muscular Dystrophy (DMD). Identifiers: Orphanet 98896, MedGen C0013264, MONDO:0010679, OMIM 310200.

gnomAD v4.1: 1 of 1,184,361 alleles (0.000084%); highest among the groups gnomAD compares: African/African-American, 0.0018%; no homozygotes.

Submission:

Labcorp Genetics (formerly Invitae), Labcorp
Classification: Uncertain significance for Duchenne muscular dystrophy. Last evaluated: 2025-01-19. Review status: criteria provided, single submitter. Criteria: Invitae Variant Classification Sherloc (09022015). Collection method: clinical testing. Allele origin: germline.
Comment: This sequence change replaces glutamine, which is neutral and polar, with histidine, which is basic and polar, at codon 2209 of the DMD protein (p.Gln2209His). This variant is not present in population databases (gnomAD no frequency). This variant has not been reported in the literature in individuals affected with DMD-related conditions. Invitae Evidence Modeling of protein sequence and biophysical properties (such as structural, functional, and spatial information, amino acid conservation, physicochemical variation, residue mobility, and thermodynamic stability) indicates that this missense variant is not expected to disrupt DMD protein function with a negative predictive value of 95%. In summary, the available evidence is currently insufficient to determine the role of this variant in disease. Therefore, it has been classified as a Variant of Uncertain Significance.

NM_004006.3(DMD):c.6627A>T (p.Gln2209His)

Gene: DMD (dystrophin; minus strand). Cytogenetic location: Xp21.1.
Variant type: single nucleotide variant.
Coding change: c.6627A>T on transcript NM_004006.3 (MANE Select); coding-DNA position 6627, A replaced by T.
Protein change: p.Gln2209His; replaces glutamine 2209 with histidine.
Molecular consequence: missense variant. On other transcripts: 5 prime UTR variant (5).
Genome position (GRCh38, 1-based): chrX:31,932,215, T>A on the plus strand (A>T on the coding strand, the complement: DMD is on the minus strand). VCF-style: chrX-31932215-T-A. GRCh37 (hg19) VCF-style: chrX-31950332-T-A.
Other names: c.6603A>T, p.Gln2201His (NM_000109.4); c.6615A>T, p.Gln2205His (NM_004009.3); c.6258A>T, p.Gln2086His (NM_004010.3); c.2604A>T, p.Gln868His (NM_004011.4); c.2595A>T, p.Gln865His (NM_004012.4); c.-754A>T (NM_004013.3, NM_004020.4, NM_004021.3 and 2 more transcripts); short protein forms Q2086H, Q2201H, Q2205H, Q2209H, Q865H, Q868H.
Identifiers: ClinVar variation 3615877 (VCV003615877.2).